The following is an entry in ClinVar:

ClinVar aggregate classification (germline): Pathogenic (1 of 4 stars; one submission).

Conditions:
Congenital lactic acidosis, Saguenay-Lac-Saint-Jean type (MC4DN5). Also called: CYTOCHROME c OXIDASE DEFICIENCY, FRENCH CANADIAN TYPE; COX DEFICIENCY, FRENCH CANADIAN TYPE; MITOCHONDRIAL COMPLEX IV DEFICIENCY, NUCLEAR TYPE 5. Identifiers: Orphanet 70472, MedGen C1857355, MONDO:0009069, OMIM 220111.

Submission:

Myriad Genetics, Inc.
Classification: Pathogenic for Congenital lactic acidosis, Saguenay-Lac-Saint-Jean type. Last evaluated: 2024-10-07. Review status: criteria provided, single submitter. Criteria: Myriad Autosomal Dominant, Autosomal Recessive and X-Linked Classification Criteria (2023). Collection method: clinical testing. Allele origin: unknown.
Comment: NM_133259.3(LRPPRC):c.1272delA(A425Pfs*2) is expected to be pathogenic in the context of Leigh syndrome, French-Canadian type. This variant is predicted to lead to an abnormal or absent protein product due to the creation of a premature termination codon in LRPPRC, a gene where loss-of-function variants are known to be pathogenic. Please note: this variant was assessed in the context of healthy population screening.

NM_133259.4(LRPPRC):c.1272del (p.Ala425fs)

Gene: LRPPRC (leucine rich pentatricopeptide repeat containing; minus strand). Cytogenetic location: 2p21.
Variant type: Deletion.
Coding change: c.1272del on transcript NM_133259.4 (MANE Select); coding-DNA position 1272, one base deleted (A; older notation c.1272delA).
Protein change: p.Ala425fs; shifts the reading frame from alanine 425.
Molecular consequence: frameshift variant.
Genome position (GRCh38, 1-based): chr2:43,973,704, T deleted on the plus strand (A on the coding strand, the reverse complement: LRPPRC is on the minus strand); the first of 4 consecutive T bases (chr2:43,973,704-43,973,707); deleting any one gives the same sequence. VCF-style (leftmost placement, unchanged base first): chr2-43973703-CT-C. GRCh37 (hg19) VCF-style: chr2-44200842-CT-C.
Other names: short protein forms A425fs.
Identifiers: ClinVar variation 5013624 (VCV005013624.1).